The following is an entry in ClinVar:

ClinVar aggregate classification (germline): Uncertain significance (1 of 4 stars; one submission).

Conditions:
Ataxia-telangiectasia syndrome (AT). Also called: LOUIS-BAR SYNDROME; Cerebello-oculocutaneous telangiectasia; Immunodeficiency with ataxia telangiectasia; Ataxia-telangiectasia, complementation group D; AT, COMPLEMENTATION GROUP C; ATAXIA-TELANGIECTASIA, COMPLEMENTATION GROUP A. Identifiers: Orphanet 100, MedGen C0004135, MONDO:0008840, OMIM 208900.

Submission:

Labcorp Genetics (formerly Invitae), Labcorp
Classification: Uncertain significance for Ataxia-telangiectasia syndrome. Last evaluated: 2025-06-24. Review status: criteria provided, single submitter. Criteria: Invitae Variant Classification Sherloc (09022015). Collection method: clinical testing. Allele origin: germline.
Comment: This sequence change replaces isoleucine, which is neutral and non-polar, with valine, which is neutral and non-polar, at codon 2250 of the ATM protein (p.Ile2250Val). This variant is not present in population databases (gnomAD no frequency). This variant has not been reported in the literature in individuals affected with ATM-related conditions. Invitae Evidence Modeling of protein sequence and biophysical properties (such as structural, functional, and spatial information, amino acid conservation, physicochemical variation, residue mobility, and thermodynamic stability) indicates that this missense variant is not expected to disrupt ATM protein function with a negative predictive value of 95%. In summary, the available evidence is currently insufficient to determine the role of this variant in disease. Therefore, it has been classified as a Variant of Uncertain Significance.

NM_000051.4(ATM):c.6748A>G (p.Ile2250Val)

Genes: ATM (ATM serine/threonine kinase; plus strand), C11orf65 (chromosome 11 open reading frame 65; minus strand). Cytogenetic location: 11q22.3.
Variant type: single nucleotide variant.
Coding change: c.6748A>G on transcript NM_000051.4 (MANE Select); coding-DNA position 6748, A replaced by G.
Protein change: p.Ile2250Val; replaces isoleucine 2250 with valine.
Molecular consequence: missense variant. On other transcripts: intron variant (2).
Genome position (GRCh38, 1-based): chr11:108,325,485, A>G. VCF-style: chr11-108325485-A-G. GRCh37 (hg19) VCF-style: chr11-108196212-A-G.
Other names: c.6748A>G, p.Ile2250Val (NM_001351834.2); c.641-16414T>C (NM_001330368.2); c.*38+9735T>C (NM_001351110.2); short protein forms I2250V.
Identifiers: ClinVar variation 4747244 (VCV004747244.1).